The following is an entry in ClinVar:

ClinVar aggregate classification (germline): Uncertain significance (1 of 4 stars; one submission).

Allele frequency attached by ClinVar (database versions not stated): gnomAD exomes 0.00001.
gnomAD v4.1: 10 of 1,613,174 alleles (0.00062%); highest among the groups gnomAD compares: South Asian, 0.0011%; no homozygotes.

Submission:

Labcorp Genetics (formerly Invitae), Labcorp
Classification: Uncertain significance. Last evaluated: 2021-11-17. Review status: criteria provided, single submitter. Criteria: Invitae Variant Classification Sherloc (09022015). Collection method: clinical testing. Allele origin: germline.
Comment: In summary, the available evidence is currently insufficient to determine the role of this variant in disease. Therefore, it has been classified as a Variant of Uncertain Significance. Algorithms developed to predict the effect of missense changes on protein structure and function are either unavailable or do not agree on the potential impact of this missense change (SIFT: "Deleterious"; PolyPhen-2: "Benign"; Align-GVGD: "Class C0"). This variant has not been reported in the literature in individuals affected with CARMIL2-related conditions. The frequency data for this variant in the population databases is considered unreliable, as metrics indicate poor data quality at this position in the gnomAD database. This sequence change replaces valine, which is neutral and non-polar, with isoleucine, which is neutral and non-polar, at codon 569 of the CARMIL2 protein (p.Val569Ile).

NM_001013838.3(CARMIL2):c.1705G>A (p.Val569Ile)

Gene: CARMIL2 (capping protein regulator and myosin 1 linker 2; plus strand). Cytogenetic location: 16q22.1.
Variant type: single nucleotide variant.
Coding change: c.1705G>A on transcript NM_001013838.3 (MANE Select); coding-DNA position 1705, G replaced by A.
Protein change: p.Val569Ile; replaces valine 569 with isoleucine.
Molecular consequence: missense variant.
Genome position (GRCh38, 1-based): chr16:67,649,270, G>A. VCF-style: chr16-67649270-G-A. GRCh37 (hg19) VCF-style: chr16-67683173-G-A.
Other names: c.1597G>A, p.Val533Ile (NM_001317026.3); short protein forms V533I, V569I.
Identifiers: ClinVar variation 1483983 (VCV001483983.6), dbSNP rs1196976344, ClinGen allele CA396337349.